The following is an entry in ClinVar:

NM_172362.3(KCNH1):c.260T>A (p.Phe87Tyr)

Gene: KCNH1 (potassium voltage-gated channel subfamily H member 1; minus strand). Cytogenetic location: 1q32.2.
Variant type: single nucleotide variant.
Coding change: c.260T>A on transcript NM_172362.3 (MANE Select); coding-DNA position 260, T replaced by A.
Protein change: p.Phe87Tyr; replaces phenylalanine 87 with tyrosine.
Molecular consequence: missense variant.
Genome position (GRCh38, 1-based): chr1:211,103,546, A>T on the plus strand (T>A on the coding strand, the complement: KCNH1 is on the minus strand). VCF-style: chr1-211103546-A-T. GRCh37 (hg19) VCF-style: chr1-211276888-A-T.
Other names: c.260T>A, p.Phe87Tyr (NM_002238.4); short protein forms F87Y.
Identifiers: ClinVar variation 3614093 (VCV003614093.2).

ClinVar aggregate classification (germline): Uncertain significance (1 of 4 stars; one submission).

Submission:

Labcorp Genetics (formerly Invitae), Labcorp
Classification: Uncertain significance. Last evaluated: 2024-10-31. Review status: criteria provided, single submitter. Criteria: Invitae Variant Classification Sherloc (09022015). Collection method: clinical testing. Allele origin: germline.
Comment: This sequence change replaces phenylalanine, which is neutral and non-polar, with tyrosine, which is neutral and polar, at codon 87 of the KCNH1 protein (p.Phe87Tyr). This variant is not present in population databases (gnomAD no frequency). This variant has not been reported in the literature in individuals affected with KCNH1-related conditions. Invitae Evidence Modeling of protein sequence and biophysical properties (such as structural, functional, and spatial information, amino acid conservation, physicochemical variation, residue mobility, and thermodynamic stability) has been performed for this missense variant. However, the output from this modeling did not meet the statistical confidence thresholds required to predict the impact of this variant on KCNH1 protein function. In summary, the available evidence is currently insufficient to determine the role of this variant in disease. Therefore, it has been classified as a Variant of Uncertain Significance.